The following is an entry in ClinVar:

NM_001083116.3(PRF1):c.1144C>T (p.Pro382Ser)

Gene: PRF1 (perforin 1; minus strand). Cytogenetic location: 10q22.1.
Variant type: single nucleotide variant.
Coding change: c.1144C>T on transcript NM_001083116.3 (MANE Select); coding-DNA position 1144, C replaced by T.
Protein change: p.Pro382Ser; replaces proline 382 with serine.
Molecular consequence: missense variant.
Genome position (GRCh38, 1-based): chr10:70,598,577, G>A on the plus strand (C>T on the coding strand, the complement: PRF1 is on the minus strand). VCF-style: chr10-70598577-G-A. GRCh37 (hg19) VCF-style: chr10-72358333-G-A.
Other names: p.Pro382Ser; c.1144C>T, p.Pro382Ser (NM_005041.6); short protein forms P382S.
Identifiers: ClinVar variation 639746 (VCV000639746.15), dbSNP rs377367451, ClinGen allele CA5538815.

ClinVar aggregate classification (germline): Uncertain significance. Review status: criteria provided, multiple submitters, no conflicts (2 of 4 stars). 7 submissions from 7 submitters: Uncertain significance (7). Last evaluated 2026-09-22.

Conditions:
PRF1-related disorder. Also called: PRF1-related condition.
Inborn genetic diseases. Identifiers: MedGen C0950123, MeSH D030342.
Familial hemophagocytic lymphohistiocytosis 2 (FHL2). Also called: PRF1-Related Familial Hemophagocytic Lymphohistiocytosis (PRF1-fHLH). Identifiers: Orphanet 540, MedGen C1863727, MONDO:0011337, OMIM 603553.

Allele frequency attached by ClinVar (database versions not stated): ExAC 0.00008; gnomAD exomes 0.00009 and 0.00022; gnomAD 0.00010 and 0.00011; TOPMed 0.00013; ESP Exome Variant Server 0.00023.

Submissions (7):

PreventionGenetics, part of Exact Sciences
Classification: Uncertain significance for PRF1-related condition. Last evaluated: 2026-09-22. Review status: criteria provided, single submitter. Criteria: ACMG Guidelines, 2015. Collection method: clinical testing. Allele origin: germline.
Comment: The PRF1 c.1144C>T variant is predicted to result in the amino acid substitution p.Pro382Ser. To our knowledge, this variant has not been reported in the literature. This variant is reported in 0.018% of alleles in individuals of European (Non-Finnish) descent in gnomAD. At this time, the clinical significance of this variant is uncertain due to the absence of conclusive functional and genetic evidence.

Labcorp Genetics (formerly Invitae), Labcorp
Classification: Uncertain significance for Familial hemophagocytic lymphohistiocytosis 2. Last evaluated: 2025-12-15. Review status: criteria provided, single submitter. Criteria: Invitae Variant Classification Sherloc (09022015). Collection method: clinical testing. Allele origin: germline.
Comment: This sequence change replaces proline, which is neutral and non-polar, with serine, which is neutral and polar, at codon 382 of the PRF1 protein (p.Pro382Ser). This variant is present in population databases (rs377367451, gnomAD 0.02%). This variant has not been reported in the literature in individuals affected with PRF1-related conditions. ClinVar contains an entry for this variant (Variation ID: 639746). Invitae Evidence Modeling of protein sequence and biophysical properties (such as structural, functional, and spatial information, amino acid conservation, physicochemical variation, residue mobility, and thermodynamic stability) has been performed for this missense variant. However, the output from this modeling did not meet the statistical confidence thresholds required to predict the impact of this variant on PRF1 protein function. In summary, the available evidence is currently insufficient to determine the role of this variant in disease. Therefore, it has been classified as a Variant of Uncertain Significance.

Mayo Clinic Laboratories, Mayo Clinic
Classification: Uncertain significance. Last evaluated: 2025-05-18. Review status: criteria provided, single submitter. Criteria: ACMG Guidelines, 2015. Collection method: clinical testing. Allele origin: germline. Observed: 1 variant allele.
Comment: BP4

Ambry Genetics
Classification: Uncertain significance for Inborn genetic diseases. Last evaluated: 2024-11-26. Review status: criteria provided, single submitter. Criteria: Ambry Variant Classification Scheme 2023. Collection method: clinical testing. Allele origin: germline.

Blueprint Genetics
Classification: Uncertain significance. Last evaluated: 2024-08-29. Review status: criteria provided, single submitter. Criteria: ACMG Guidelines, 2015. Collection method: clinical testing. Allele origin: germline.

GeneDx
Classification: Uncertain significance. Last evaluated: 2024-06-12. Review status: criteria provided, single submitter. Criteria: GeneDx Variant Classification Process June 2021. Collection method: clinical testing. Allele origin: germline. Affected: yes.
Comment: In silico analysis indicates that this missense variant does not alter protein structure/function; Has not been previously published as pathogenic or benign to our knowledge

Illumina Laboratory Services, Illumina
Classification: Uncertain significance for Familial hemophagocytic lymphohistiocytosis 2. Last evaluated: 2018-01-12. Review status: criteria provided, single submitter. Criteria: ICSL Variant Classification Criteria 13 December 2019. Collection method: clinical testing. Allele origin: germline.